The following is an entry in ClinVar:

NM_000435.3(NOTCH3):c.1277C>T (p.Pro426Leu)

Gene: NOTCH3 (notch receptor 3; minus strand). Cytogenetic location: 19p13.12.
Variant type: single nucleotide variant.
Coding change: c.1277C>T on transcript NM_000435.3 (MANE Select); coding-DNA position 1277, C replaced by T.
Protein change: p.Pro426Leu; replaces proline 426 with leucine.
Molecular consequence: missense variant.
Genome position (GRCh38, 1-based): chr19:15,189,090, G>A on the plus strand (C>T on the coding strand, the complement: NOTCH3 is on the minus strand). VCF-style: chr19-15189090-G-A. GRCh37 (hg19) VCF-style: chr19-15299901-G-A.
Other names: p.Pro426Leu; short protein forms P426L.
Identifiers: ClinVar variation 1468262 (VCV001468262.9), dbSNP rs756516988, ClinGen allele CA9263664.
Genomic context (GRCh38, chr19:15,189,090, plus strand): 5'-CACGTGGCCTGGTTTCGGCAGGGCCCCGACAGACACTCGTTGACATCGGTCTCACAGCGA[G>A]GTCCAGTGTAGCCACGACCGCACTGGCACAGGAAGGAGCCCTGCGTGTTCACGCACCTGC-3'
Protein context (NP_000426.2, residues 416-436): LCQCGRGYTG[Pro426Leu]RCETDVNECL

ClinVar aggregate classification (germline): Uncertain significance. Review status: criteria provided, multiple submitters, no conflicts (2 of 4 stars). 2 submissions from 2 submitters: Uncertain significance (2). Last evaluated 2022-08-31.

Allele frequency attached by ClinVar (database versions not stated): ExAC 0.00002; gnomAD 0.00003 and 0.00004; TOPMed 0.00003; gnomAD exomes 0.00004 and 0.00008.
gnomAD v4.1: 118 of 1,613,084 alleles (0.0073%); highest among the groups gnomAD compares: Non-Finnish European, 0.0096%; no homozygotes.

Submissions (2):

Labcorp Genetics (formerly Invitae), Labcorp
Classification: Uncertain significance. Last evaluated: 2022-08-31. Review status: criteria provided, single submitter. Criteria: Invitae Variant Classification Sherloc (09022015). Collection method: clinical testing. Allele origin: germline.
Comment: Algorithms developed to predict the effect of missense changes on protein structure and function (SIFT, PolyPhen-2, Align-GVGD) all suggest that this variant is likely to be disruptive. ClinVar contains an entry for this variant (Variation ID: 1468262). This variant has not been reported in the literature in individuals affected with NOTCH3-related conditions. This variant is present in population databases (rs756516988, gnomAD 0.008%). This sequence change replaces proline, which is neutral and non-polar, with leucine, which is neutral and non-polar, at codon 426 of the NOTCH3 protein (p.Pro426Leu). In summary, the available evidence is currently insufficient to determine the role of this variant in disease. Therefore, it has been classified as a Variant of Uncertain Significance.

Mayo Clinic Laboratories, Mayo Clinic
Classification: Uncertain significance. Last evaluated: 2022-08-19. Review status: criteria provided, single submitter. Criteria: ACMG Guidelines, 2015. Collection method: clinical testing. Allele origin: germline. Observed: 1 variant allele.